The following is an entry in ClinVar:

NM_005506.4(SCARB2):c.486C>T (p.Ala162=)

Gene: SCARB2 (scavenger receptor class B member 2; minus strand). Cytogenetic location: 4q21.1.
Variant type: single nucleotide variant.
Coding change: c.486C>T on transcript NM_005506.4 (MANE Select); coding-DNA position 486, C replaced by T.
Protein change: p.Ala162=; no amino-acid change (alanine 162 retained).
Molecular consequence: synonymous variant. On other transcripts: intron variant (1).
Genome position (GRCh38, 1-based): chr4:76,179,643, G>A on the plus strand (C>T on the coding strand, the complement: SCARB2 is on the minus strand). VCF-style: chr4-76179643-G-A. GRCh37 (hg19) VCF-style: chr4-77100796-G-A.
Other names: c.276-3733C>T (NM_001204255.2).
Identifiers: ClinVar variation 287116 (VCV000287116.20), dbSNP rs143518519, ClinGen allele CA2970324.

ClinVar aggregate classification (germline): Conflicting classifications of pathogenicity. Review status: criteria provided, conflicting classifications (1 of 4 stars). 6 submissions from 6 submitters: Uncertain significance (1); Benign (1); Likely benign (3). 1 of the submissions does not count toward it. Last evaluated 2025-12-21.

Conditions:
SCARB2-related disorder. Also called: SCARB2-related condition.
Progressive myoclonic epilepsy. Also called: Familial progressive myoclonic epilepsy; Progressive myoclonus epilepsy; Myoclonus epilepsy; Myoclonic Epilepsies, Progressive. Identifiers: Orphanet 308, Orphanet 98261, MedGen C0751778, MONDO:0020074.
Inborn genetic diseases. Identifiers: MedGen C0950123, MeSH D030342.

Allele frequency attached by ClinVar (database versions not stated): gnomAD exomes 0.00004 and 0.00012; ExAC 0.00015; 1000 Genomes Project 0.00020; 1000 Genomes Project 30x 0.00031; gnomAD 0.00050 and 0.00054; ESP Exome Variant Server 0.00054; TOPMed 0.00060.
gnomAD v4.1: 141 of 1,614,090 alleles (0.0087%); highest among the groups gnomAD compares: African/African-American, 0.17%; no homozygotes.

Submissions (6):

Labcorp Genetics (formerly Invitae), Labcorp
Classification: Likely benign for Progressive myoclonic epilepsy. Last evaluated: 2025-12-21. Review status: criteria provided, single submitter. Criteria: Invitae Variant Classification Sherloc (09022015). Collection method: clinical testing. Allele origin: germline.

Blueprint Genetics
Classification: Likely benign. Last evaluated: 2022-09-21. Review status: criteria provided, single submitter. Criteria: ACMG Guidelines, 2015. Collection method: clinical testing. Allele origin: germline.

Ambry Genetics
Classification: Likely benign for Inborn genetic diseases. Last evaluated: 2017-06-14. Review status: criteria provided, single submitter. Criteria: Ambry Variant Classification Scheme 2023. Collection method: clinical testing. Allele origin: germline.

Eurofins Ntd Llc (ga)
Classification: Uncertain significance. Last evaluated: 2016-04-12. Review status: criteria provided, single submitter. Criteria: EGL Classification Definitions 2015. Collection method: clinical testing. Allele origin: germline. Observed: 1 variant allele, 1 heterozygote.

GeneDx
Classification: Benign. Last evaluated: 2015-08-04. Review status: criteria provided, single submitter. Criteria: GeneDx Variant Classification (06012015). Collection method: clinical testing. Allele origin: germline. Affected: yes.
Comment: This variant is considered likely benign or benign based on one or more of the following criteria: it is a conservative change, it occurs at a poorly conserved position in the protein, it is predicted to be benign by multiple in silico algorithms, and/or has population frequency not consistent with disease.

PreventionGenetics, part of Exact Sciences
Classification: Likely benign for SCARB2-related condition. Last evaluated: 2019-07-18. Review status: no assertion criteria provided. Collection method: clinical testing. Allele origin: germline. Not counted in ClinVar's aggregate classification.
Comment: This variant is classified as likely benign based on ACMG/AMP sequence variant interpretation guidelines (Richards et al. 2015 PMID: 25741868, with internal and published modifications).